The following is an entry in ClinVar:

ClinVar aggregate classification (germline): Uncertain significance. Review status: criteria provided, multiple submitters, no conflicts (2 of 4 stars). 4 submissions from 3 submitters: Uncertain significance (4). Last evaluated 2022-03-15.

Conditions:
Aortic valve disease 1 (AOVD1). Identifiers: MedGen C3887892, MONDO:0024523, OMIM 109730.
Adams-Oliver syndrome 5 (AOS5). Identifiers: Orphanet 974, MedGen C4014970, MONDO:0014459, OMIM 616028.

Submissions (4):

Genome-Nilou Lab
Classification: Uncertain significance for Adams-Oliver syndrome 5. Last evaluated: 2022-03-15. Review status: criteria provided, single submitter. Criteria: ACMG Guidelines, 2015. Collection method: clinical testing. Allele origin: germline. Affected: no.

Genome-Nilou Lab
Classification: Uncertain significance for Aortic valve disease 1. Last evaluated: 2022-03-15. Review status: criteria provided, single submitter. Criteria: ACMG Guidelines, 2015. Collection method: clinical testing. Allele origin: germline. Affected: no.

Labcorp Genetics (formerly Invitae), Labcorp
Classification: Uncertain significance for Adams-Oliver syndrome 5. Last evaluated: 2021-09-09. Review status: criteria provided, single submitter. Criteria: Invitae Variant Classification Sherloc (09022015). Collection method: clinical testing. Allele origin: germline.
Comment: In summary, the available evidence is currently insufficient to determine the role of this variant in disease. Therefore, it has been classified as a Variant of Uncertain Significance. Advanced modeling of protein sequence and biophysical properties (such as structural, functional, and spatial information, amino acid conservation, physicochemical variation, residue mobility, and thermodynamic stability) performed at Invitae indicates that this missense variant is not expected to disrupt NOTCH1 protein function. ClinVar contains an entry for this variant (Variation ID: 1176587). This variant has not been reported in the literature in individuals affected with NOTCH1-related conditions. This variant is not present in population databases (ExAC no frequency). This sequence change replaces glutamic acid with aspartic acid at codon 716 of the NOTCH1 protein (p.Glu716Asp). The glutamic acid residue is highly conserved and there is a small physicochemical difference between glutamic acid and aspartic acid.

CeGaT Center for Human Genetics Tuebingen
Classification: Uncertain significance. Last evaluated: 2021-05-01. Review status: criteria provided, single submitter. Criteria: CeGaT Center For Human Genetics Tuebingen Variant Classification Criteria Version 2. Collection method: clinical testing. Allele origin: germline. Affected: yes. Observed: 1 variant allele.

NM_017617.5(NOTCH1):c.2148G>C (p.Glu716Asp)

Gene: NOTCH1 (notch receptor 1; minus strand). Cytogenetic location: 9q34.3.
Variant type: single nucleotide variant.
Coding change: c.2148G>C on transcript NM_017617.5 (MANE Select); coding-DNA position 2148, G replaced by C.
Protein change: p.Glu716Asp; replaces glutamic acid 716 with aspartic acid.
Molecular consequence: missense variant.
Genome position (GRCh38, 1-based): chr9:136,514,569, C>G on the plus strand (G>C on the coding strand, the complement: NOTCH1 is on the minus strand). VCF-style: chr9-136514569-C-G. GRCh37 (hg19) VCF-style: chr9-139409021-C-G.
Other names: short protein forms E716D.
Identifiers: ClinVar variation 1176587 (VCV001176587.41), dbSNP rs376468003, ClinGen allele CA375558639.